The following is an entry in ClinVar:

ClinVar aggregate classification (germline): Likely pathogenic (1 of 4 stars; one submission).

Conditions:
Hypertrophic cardiomyopathy 6. Identifiers: MedGen C1833236, MONDO:0010946, OMIM 600858.

Submission:

Molecular Genetics Laboratory, Motol Hospital
Classification: Likely pathogenic for Hypertrophic cardiomyopathy 6. Last evaluated: 2025-01-08. Review status: criteria provided, single submitter. Criteria: ACMG Guidelines, 2015. Collection method: clinical testing. Allele origin: germline. Affected: yes. Observed: 1 variant allele.
Comment: cosegregation with disease with multiple affected family members in a gene known to cause the disease (PP1_very strong), rare variant not present in general gnomAD population (v4.1.0) (PM2), in silico prediction tools support the deleterious effect of this missense variant on the protein (PP3); ACMG PM2, PP3, PP1_very strong

NM_016203.4(PRKAG2):c.466+45171G>T

Gene: PRKAG2 (protein kinase AMP-activated non-catalytic subunit gamma 2; minus strand). Cytogenetic location: 7q36.1.
Variant type: single nucleotide variant.
Coding change: c.466+45171G>T on transcript NM_016203.4 (MANE Select); 45171 bases into the intron after coding-DNA position 466, G replaced by T.
Molecular consequence: intron variant. On other transcripts: missense variant (5), 5 prime UTR variant (1).
Genome position (GRCh38, 1-based): chr7:151,735,981, C>A on the plus strand (G>T on the coding strand, the complement: PRKAG2 is on the minus strand). VCF-style: chr7-151735981-C-A. GRCh37 (hg19) VCF-style: chr7-151433067-C-A.
Other names: c.13G>T, p.Gly5Trp (NM_001304527.2, NM_001363698.2, NM_001407028.1 and 2 more transcripts); c.-70G>T (NM_001407038.1); c.466+45171G>T (NM_001407031.1, NM_001407030.1, NM_001407023.1 and 2 more transcripts); c.149-60344G>T (NM_001407032.1); c.334+45171G>T (NM_001407026.1, NM_001040633.2, NM_001407027.1 and 1 more transcripts); c.360+45145G>T (NM_001407033.1); short protein forms G5W.
Identifiers: ClinVar variation 3544408 (VCV003544408.2).